The following is an entry in ClinVar:

ClinVar aggregate classification (germline): Uncertain significance. Review status: criteria provided, multiple submitters, no conflicts (2 of 4 stars). 2 submissions from 2 submitters: Uncertain significance (2). Last evaluated 2026-05-29.

Conditions:
Autosomal dominant childhood-onset proximal spinal muscular atrophy with contractures (SMALED2A). Also called: SPINAL MUSCULAR ATROPHY, LOWER EXTREMITY-PREDOMINANT, 2A, CHILDHOOD ONSET, AUTOSOMAL DOMINANT; Spinal muscular atrophy, lower extremity-predominant, 2A, autosomal dominant. Identifiers: Orphanet 363447, Orphanet 363454, MedGen C4747715, MONDO:0014121, OMIM 615290.

Submissions (2):

GeneDx
Classification: Uncertain significance. Last evaluated: 2026-05-29. Review status: criteria provided, single submitter. Criteria: GeneDx Variant Classification Process June 2021. Collection method: clinical testing. Allele origin: germline.
Comment: Not observed at significant frequency in large population cohorts (gnomAD); Frameshift variant predicted to result in abnormal protein length as the last 121 amino acid(s) are replaced with 43 different amino acid(s); Has not been previously published as pathogenic or benign to our knowledge

Labcorp Genetics (formerly Invitae), Labcorp
Classification: Uncertain significance for Autosomal dominant childhood-onset proximal spinal muscular atrophy with contractures. Last evaluated: 2025-03-24. Review status: criteria provided, single submitter. Criteria: Invitae Variant Classification Sherloc (09022015). Collection method: clinical testing. Allele origin: germline.
Comment: This sequence change creates a premature translational stop signal (p.Ala735Profs*44) in the BICD2 gene. While this is not anticipated to result in nonsense mediated decay, it is expected to disrupt the last 121 amino acid(s) of the BICD2 protein. This variant is not present in population databases (gnomAD no frequency). This variant has not been reported in the literature in individuals affected with BICD2-related conditions. Experimental studies and prediction algorithms are not available or were not evaluated, and the functional significance of this variant is currently unknown. In summary, the available evidence is currently insufficient to determine the role of this variant in disease. Therefore, it has been classified as a Variant of Uncertain Significance.

NM_001003800.2(BICD2):c.2203del (p.Ala735fs)

Gene: BICD2 (BICD cargo adaptor 2; minus strand). Cytogenetic location: 9q22.31.
Variant type: Deletion.
Coding change: c.2203del on transcript NM_001003800.2 (MANE Select); coding-DNA position 2203, one base deleted (G; older notation c.2203delG).
Protein change: p.Ala735fs; shifts the reading frame from alanine 735.
Molecular consequence: frameshift variant.
Genome position (GRCh38, 1-based): chr9:92,717,852, C deleted on the plus strand (G on the coding strand, the reverse complement: BICD2 is on the minus strand); the first of 2 consecutive C bases (chr9:92,717,852-92,717,853); deleting either gives the same sequence. VCF-style (leftmost placement, unchanged base first): chr9-92717851-GC-G. GRCh37 (hg19) VCF-style: chr9-95480133-GC-G.
Other names: c.2203del, p.Ala735fs (NM_015250.4); short protein forms A735fs.
Identifiers: ClinVar variation 4537710 (VCV004537710.3).